The following is an entry in ClinVar:

NM_004268.5(MED17):c.1405G>T (p.Asp469Tyr)

Gene: MED17 (mediator complex subunit 17; plus strand). Cytogenetic location: 11q21.
Variant type: single nucleotide variant.
Coding change: c.1405G>T on transcript NM_004268.5 (MANE Select); coding-DNA position 1405, G replaced by T.
Protein change: p.Asp469Tyr; replaces aspartic acid 469 with tyrosine.
Molecular consequence: missense variant.
Genome position (GRCh38, 1-based): chr11:93,801,911, G>T. VCF-style: chr11-93801911-G-T. GRCh37 (hg19) VCF-style: chr11-93535077-G-T.
Other names: c.1405G>T (NM_004268.4); short protein forms D469Y.
Identifiers: ClinVar variation 990619 (VCV000990619.12), dbSNP rs201376861, ClinGen allele CA6232614.

ClinVar aggregate classification (germline): Likely benign. Review status: criteria provided, multiple submitters, no conflicts (2 of 4 stars). 4 submissions from 4 submitters: Likely benign (2). 2 of the submissions do not count toward it. Last evaluated 2026-01-26.

Conditions:
MED17-related disorder. Also called: MED17-related condition.
Infantile cerebral and cerebellar atrophy with postnatal progressive microcephaly (MSBA). Identifiers: Orphanet 402364, MedGen C3150921, MONDO:0013351, OMIM 613668.

Allele frequency attached by ClinVar (database versions not stated): gnomAD 0.00007 and 0.00009; ExAC 0.00012; gnomAD exomes 0.00012 and 0.00017; TOPMed 0.00012.
gnomAD v4.1: 190 of 1,613,094 alleles (0.012%); highest among the groups gnomAD compares: Non-Finnish European, 0.0093%; no homozygotes.

Submissions (4):

Labcorp Genetics (formerly Invitae), Labcorp
Classification: Likely benign. Last evaluated: 2026-01-26. Review status: criteria provided, single submitter. Criteria: Invitae Variant Classification Sherloc (09022015). Collection method: clinical testing. Allele origin: germline.

Breakthrough Genomics
Classification: Likely benign. Review status: criteria provided, single submitter. Criteria: ACMG Guidelines, 2015. Collection method: not provided. Allele origin: germline. Inheritance: Autosomal recessive inheritance. Affected: yes.

PreventionGenetics, part of Exact Sciences
Classification: Likely benign for MED17-related condition. Last evaluated: 2023-05-22. Review status: no assertion criteria provided. Collection method: clinical testing. Allele origin: germline. Not counted in ClinVar's aggregate classification.
Comment: This variant is classified as likely benign based on ACMG/AMP sequence variant interpretation guidelines (Richards et al. 2015 PMID: 25741868, with internal and published modifications).

Natera, Inc.
Classification: Uncertain significance for Postnatal progressive microcephaly with seizures and brain atrophy. Last evaluated: 2020-04-17. Review status: no assertion criteria provided. Collection method: clinical testing. Allele origin: germline. Not counted in ClinVar's aggregate classification.